The following is an entry in ClinVar:

NM_014159.7(SETD2):c.3710T>A (p.Phe1237Tyr)

Gene: SETD2 (SET domain containing 2, histone lysine methyltransferase; minus strand). Cytogenetic location: 3p21.31.
Variant type: single nucleotide variant.
Coding change: c.3710T>A on transcript NM_014159.7 (MANE Select); coding-DNA position 3710, T replaced by A.
Protein change: p.Phe1237Tyr; replaces phenylalanine 1237 with tyrosine.
Molecular consequence: missense variant. On other transcripts: non-coding transcript variant (1).
Genome position (GRCh38, 1-based): chr3:47,120,926, A>T on the plus strand (T>A on the coding strand, the complement: SETD2 is on the minus strand). VCF-style: chr3-47120926-A-T. GRCh37 (hg19) VCF-style: chr3-47162416-A-T.
Other names: c.3578T>A, p.Phe1193Tyr (NM_001349370.3); short protein forms F1193Y, F1237Y.
Identifiers: ClinVar variation 858624 (VCV000858624.6), dbSNP rs780705204, ClinGen allele CA2363339.
Genomic context (GRCh38, chr3:47,120,926, plus strand): 5'-TTTCTGAGCTCTTCTGATGAGTGCAAGCCATCCACATGTGGTATCTCACAAGAGGAAGAA[A>T]AACTCAATTCTGTTTTTCCCAGTCTACTATCTGGCCTGTTTTGGAAAGTGGTCTGTTGCC-3'
Protein context (NP_054878.5, residues 1227-1247): DSRLGKTELS[Phe1237Tyr]SSSCEIPHVD

ClinVar aggregate classification (germline): Uncertain significance (1 of 4 stars; one submission).

Conditions:
Luscan-Lumish syndrome. Identifiers: Orphanet 597738, MedGen C4085873, MONDO:0014791, OMIM 616831.

Allele frequency attached by ClinVar (database versions not stated): gnomAD exomes below 0.00001 and 0.00002; gnomAD 0.00001; ExAC 0.00003.
gnomAD v4.1: 10 of 1,614,104 alleles (0.00062%); highest among the groups gnomAD compares: Non-Finnish European, 0.00068%; no homozygotes.

Submission:

Labcorp Genetics (formerly Invitae), Labcorp
Classification: Uncertain significance for Luscan-Lumish syndrome. Last evaluated: 2022-02-10. Review status: criteria provided, single submitter. Criteria: Invitae Variant Classification Sherloc (09022015). Collection method: clinical testing. Allele origin: germline.
Comment: In summary, the available evidence is currently insufficient to determine the role of this variant in disease. Therefore, it has been classified as a Variant of Uncertain Significance. Algorithms developed to predict the effect of missense changes on protein structure and function (SIFT, PolyPhen-2, Align-GVGD) all suggest that this variant is likely to be tolerated. ClinVar contains an entry for this variant (Variation ID: 858624). This variant has not been reported in the literature in individuals affected with SETD2-related conditions. This variant is present in population databases (rs780705204, gnomAD 0.005%). This sequence change replaces phenylalanine, which is neutral and non-polar, with tyrosine, which is neutral and polar, at codon 1237 of the SETD2 protein (p.Phe1237Tyr).